The following is an entry in ClinVar:

ClinVar aggregate classification (germline): Uncertain significance (1 of 4 stars; one submission).

Conditions:
Autosomal dominant nocturnal frontal lobe epilepsy 5. Also called: Epilepsy, nocturnal frontal lobe, 5; CILIARY DYSKINESIA, PRIMARY, 28, WITHOUT SITUS INVERSUS; CILIARY DYSKINESIA, PRIMARY, 28, WITH SITUS INVERSUS; KCNT1-Related Epilepsy. Identifiers: Orphanet 98784, MedGen C3554306, MONDO:0014002, OMIM 615005.
Developmental and epileptic encephalopathy, 14 (DEE14). Also called: Early infantile epileptic encephalopathy 14. Identifiers: Orphanet 293181, MedGen C3554195, MONDO:0013989, OMIM 614959.

Submission:

Labcorp Genetics (formerly Invitae), Labcorp
Classification: Uncertain significance for Autosomal dominant nocturnal frontal lobe epilepsy 5; Developmental and epileptic encephalopathy, 14. Last evaluated: 2023-03-16. Review status: criteria provided, single submitter. Criteria: Invitae Variant Classification Sherloc (09022015). Collection method: clinical testing. Allele origin: germline.
Comment: In summary, the available evidence is currently insufficient to determine the role of this variant in disease. Therefore, it has been classified as a Variant of Uncertain Significance. Advanced modeling of protein sequence and biophysical properties (such as structural, functional, and spatial information, amino acid conservation, physicochemical variation, residue mobility, and thermodynamic stability) performed at Invitae indicates that this missense variant is expected to disrupt KCNT1 protein function. This sequence change replaces asparagine, which is neutral and polar, with histidine, which is basic and polar, at codon 559 of the KCNT1 protein (p.Asn559His). This variant is not present in population databases (gnomAD no frequency). This variant has not been reported in the literature in individuals affected with KCNT1-related conditions.

NM_020822.3(KCNT1):c.1675A>C (p.Asn559His)

Gene: KCNT1 (potassium sodium-activated channel subfamily T member 1; plus strand). Cytogenetic location: 9q34.3.
Variant type: single nucleotide variant.
Coding change: c.1675A>C on transcript NM_020822.3 (MANE Select); coding-DNA position 1675, A replaced by C.
Protein change: p.Asn559His; replaces asparagine 559 with histidine.
Molecular consequence: missense variant.
Genome position (GRCh38, 1-based): chr9:135,770,353, A>C. VCF-style: chr9-135770353-A-C. GRCh37 (hg19) VCF-style: chr9-138662199-A-C.
Other names: c.1540A>C, p.Asn514His (NM_001272003.2); short protein forms N514H, N559H.
Identifiers: ClinVar variation 2945368 (VCV002945368.3), dbSNP rs2490964723, ClinGen allele CA375506408.